The following is an entry in ClinVar:

NM_000551.4(VHL):c.249C>G (p.Val83=)

Gene: VHL (von Hippel-Lindau tumor suppressor; plus strand). Cytogenetic location: 3p25.3.
Variant type: single nucleotide variant.
Coding change: c.249C>G on transcript NM_000551.4 (MANE Select); coding-DNA position 249, C replaced by G.
Protein change: p.Val83=; no amino-acid change (valine 83 retained).
Molecular consequence: synonymous variant.
Genome position (GRCh38, 1-based): chr3:10,142,096, C>G. VCF-style: chr3-10142096-C-G. GRCh37 (hg19) VCF-style: chr3-10183780-C-G.
Other names: c.249C>G, p.Val83= (NM_001354723.2, NM_198156.3).
Identifiers: ClinVar variation 456576 (VCV000456576.20), dbSNP rs1271292937, ClinGen allele CA432420463.
Genomic context (GRCh38, chr3:10,142,096, plus strand): 5'-GCGCTCGGTGAACTCGCGCGAGCCCTCCCAGGTCATCTTCTGCAATCGCAGTCCGCGCGT[C>G]GTGCTGCCCGTATGGCTCAACTTCGACGGCGAGCCGCAGCCCTACCCAACGCTGCCGCCT-3'
Protein context (NP_000542.1, residues 73-93): QVIFCNRSPR[Val83=]VLPVWLNFDG

ClinVar aggregate classification (germline): Benign/Likely benign. Review status: criteria provided, multiple submitters, no conflicts (2 of 4 stars). 5 submissions from 5 submitters: Benign (1); Likely benign (3). 1 of the submissions does not count toward it. Last evaluated 2025-07-30.

Conditions:
VHL-related disorder. Also called: VHL-related condition.
Von Hippel-Lindau syndrome (VHLS). Also called: Von Hippel-Lindau; von Hippel–Lindau syndrome; VHL syndrome. Identifiers: Orphanet 892, MedGen C0019562, MONDO:0008667, OMIM 193300. Disease mechanism: loss of function.
Chuvash polycythemia. Also called: POLYCYTHEMIA, VHL-DEPENDENT. Identifiers: Orphanet 238557, MedGen C1837915, MONDO:0009892, OMIM 263400.
Hereditary cancer-predisposing syndrome. Also called: Hereditary Cancer Syndrome; Hereditary neoplastic syndrome; Tumor predisposition; Neoplastic Syndromes, Hereditary. Identifiers: Orphanet 140162, MedGen C0027672, MeSH D009386, MONDO:0015356.

Allele frequency attached by ClinVar (database versions not stated): gnomAD 0.00001; TOPMed 0.00002.
gnomAD v4.1: 3 of 1,603,932 alleles (0.00019%); highest among the groups gnomAD compares: Non-Finnish European, 0.00025%; no homozygotes.

Submissions (5):

Labcorp Genetics (formerly Invitae), Labcorp
Classification: Likely benign for Von Hippel-Lindau syndrome; Chuvash polycythemia. Last evaluated: 2025-07-30. Review status: criteria provided, single submitter. Criteria: Invitae Variant Classification Sherloc (09022015). Collection method: clinical testing. Allele origin: germline.

Myriad Genetics, Inc.
Classification: Benign for Von Hippel-Lindau syndrome. Last evaluated: 2025-06-10. Review status: criteria provided, single submitter. Criteria: Myriad Autosomal Dominant, Autosomal Recessive and X-Linked Classification Criteria (2023). Collection method: clinical testing. Allele origin: unknown.
Comment: This variant is considered benign. This variant is a silent/synonymous amino acid change and it is not expected to impact splicing.

All of Us Research Program, National Institutes of Health
Classification: Likely benign for Von Hippel-Lindau syndrome. Last evaluated: 2023-12-13. Review status: criteria provided, single submitter. Criteria: ACMG Guidelines, 2015. Collection method: clinical testing. Allele origin: germline. Inheritance: Autosomal dominant inheritance. Observed: 1 variant allele, 1 heterozygote.
Comment: This study involves interpretation of variants in research participants for the purpose of population health screening. Participant phenotype was not available at the time of variant classification. Additional details can be found in publication PMID: 35346344, PMCID: PMC8962531

Ambry Genetics
Classification: Likely benign for Hereditary cancer-predisposing syndrome. Last evaluated: 2019-09-19. Review status: criteria provided, single submitter. Criteria: Ambry Variant Classification Scheme 2023. Collection method: clinical testing. Allele origin: germline.

PreventionGenetics, part of Exact Sciences
Classification: Likely benign for VHL-related condition. Last evaluated: 2019-07-10. Review status: no assertion criteria provided. Collection method: clinical testing. Allele origin: germline. Not counted in ClinVar's aggregate classification.
Comment: This variant is classified as likely benign based on ACMG/AMP sequence variant interpretation guidelines (Richards et al. 2015 PMID: 25741868, with internal and published modifications).